The following is an entry in ClinVar:

NM_006269.2(RP1):c.469del (p.Val157fs)

Gene: RP1 (RP1 axonemal microtubule associated; plus strand). Cytogenetic location: 8q12.1.
Variant type: Deletion.
Coding change: c.469del on transcript NM_006269.2 (MANE Select); coding-DNA position 469, one base deleted (G; older notation c.469delG).
Protein change: p.Val157fs; shifts the reading frame from valine 157.
Molecular consequence: frameshift variant.
Genome position (GRCh38, 1-based): chr8:54,621,435, G deleted. VCF-style (leftmost placement, unchanged base first): chr8-54621434-AG-A. GRCh37 (hg19) VCF-style: chr8-55533994-AG-A.
Other names: c.469del, p.Val157fs (NM_001375654.1); short protein forms V157fs.
Identifiers: ClinVar variation 1458770 (VCV001458770.7), dbSNP rs2129314417, ClinGen allele CA2573143212.
Genomic context (GRCh38, chr8:54,621,434, plus strand): 5'-CTCACCGCCCCACCCCGTAGCCGTCGCTGCTCCCGGCATGCCCCGCCCCCCACGGAGCCT[AG>A]TGGTCTTCAGGAATGGCGACCCGAAGACGAGGCGTGCGGTTCTTCTGAGCAGGAGGGTCA-3'

ClinVar aggregate classification (germline): Pathogenic. Review status: criteria provided, multiple submitters, no conflicts (2 of 4 stars). 2 submissions from 2 submitters: Pathogenic (2). Last evaluated 2022-09-13.

Conditions:
RP1-related disorder. Also called: RP1-related condition.

Submissions (2):

Labcorp Genetics (formerly Invitae), Labcorp
Classification: Pathogenic. Last evaluated: 2022-09-13. Review status: criteria provided, single submitter. Criteria: Invitae Variant Classification Sherloc (09022015). Collection method: clinical testing. Allele origin: germline.
Comment: ClinVar contains an entry for this variant (Variation ID: 1458770). For these reasons, this variant has been classified as Pathogenic. This premature translational stop signal has been observed in individual(s) with autosomal recessive retinitis pigmentosa (PMID: 25883087, 32005865). This variant is not present in population databases (gnomAD no frequency). This sequence change creates a premature translational stop signal (p.Val157Trpfs*16) in the RP1 gene. It is expected to result in an absent or disrupted protein product. Loss-of-function variants in RP1 are known to be pathogenic (PMID: 11960024, 19933189).

Blueprint Genetics
Classification: Pathogenic for RP1-related disorders. Last evaluated: 2020-09-01. Review status: criteria provided, single submitter. Criteria: ACMG Guidelines, 2015. Collection method: clinical testing. Allele origin: germline. Affected: yes. Observed: 1 variant allele.

Literature cited by the submitters: PubMed 25883087 (cited by Labcorp Genetics (formerly Invitae), Labcorp); PubMed 32005865 (cited by Labcorp Genetics (formerly Invitae), Labcorp); PubMed 11960024 (cited by Labcorp Genetics (formerly Invitae), Labcorp); PubMed 19933189 (cited by Labcorp Genetics (formerly Invitae), Labcorp).